The following is an entry in ClinVar:

NC_012920.1(MT-TW):m.5523T>G

Gene: MT-TW (mitochondrially encoded tRNA tryptophan; plus strand).
Variant type: single nucleotide variant.
Genome position: chrM-5523-T-G.
Identifiers: ClinVar variation 155882 (VCV000155882.5), dbSNP rs587776435, ClinGen allele CA345912.

ClinVar aggregate classification (germline): Uncertain significance. Review status: reviewed by expert panel (3 of 4 stars). 2 submissions from 2 submitters: Uncertain significance (1). 1 of the submissions does not count toward it. Last evaluated 2024-05-13.

Conditions:
Mitochondrial disease. Also called: Mitochondrial disorder; Mitochondrial disorders. Identifiers: Orphanet 68380, MedGen C0751651, MeSH D028361, MONDO:0044970.
Leigh syndrome (NULS). Also called: Leigh's necrotizing encephalopathy; Leigh's disease; Leigh Disease; Subacute necrotizing encephalopathy; Necrotizing encephalopathy infantile subacute of Leigh; LEIGH SYNDROME, NUCLEAR. Identifiers: Orphanet 506, MedGen C2931891, MONDO:0009723, OMIM 256000.

Submissions (2):

ClinGen Mitochondrial Disease Nuclear and Mitochondrial  Variant Curation Expert Panel, ClinGen
Classification: Uncertain significance for Mitochondrial disease. Last evaluated: 2024-05-13. Review status: reviewed by expert panel. Criteria: clingen mito disease acmg specifications v1-1. Collection method: curation. Allele origin: germline. Inheritance: Mitochondrial inheritance.
Comment: The m.5523T>G variant in MT-TW has been reported in one individual with primary mitochondrial disease to date (PMID: 19349200). The variant was present at 66% heteroplasmy in blood. There was no information provided on family member testing. There are no other individuals reported with de novo occurrences of this variant to our knowledge. This variant is absent in the GenBank dataset, Helix dataset, and gnomAD v3.1.2 (PM2_supporting). In silico predictors are conflicting as the computational predictor MitoTIP suggests this variant is pathogenic (80.9 percentile) but HmtVAR predicts it to be neutral with a score of 0.25. There are no cybrids, single fiber studies, or other functional assays reported on this variant. In summary, this variant meets criteria to be classified as uncertain significance for primary mitochondrial disease inherited in a mitochondrial manner. This classification was approved by the NICHD/NINDS U24 ClinGen Mitochondrial Disease Variant Curation Expert Panel on May 13, 2024. Mitochondrial DNA-specific ACMG/AMP criteria applied (PMID: 32906214): PM2_supporting.

GeneReviews
No classification provided. Condition: Leigh syndrome. Review status: no classification provided. Collection method: literature only. Allele origin: germline. Not counted in ClinVar's aggregate classification.

Literature cited by the submitters: NCBI Bookshelf NBK1173 (cited by GeneReviews).